The following is an entry in ClinVar:

NM_001845.6(COL4A1):c.469G>A (p.Gly157Ser)

Gene: COL4A1 (collagen type IV alpha 1 chain; minus strand). Cytogenetic location: 13q34.
Variant type: single nucleotide variant.
Coding change: c.469G>A on transcript NM_001845.6 (MANE Select); coding-DNA position 469, G replaced by A.
Protein change: p.Gly157Ser; replaces glycine 157 with serine.
Molecular consequence: missense variant.
Genome position (GRCh38, 1-based): chr13:110,210,212, C>T on the plus strand (G>A on the coding strand, the complement: COL4A1 is on the minus strand). VCF-style: chr13-110210212-C-T. GRCh37 (hg19) VCF-style: chr13-110862559-C-T.
Other names: c.469G>A, p.Gly157Ser (NM_001303110.2); short protein forms G157S.
Identifiers: ClinVar variation 2864640 (VCV002864640.3), dbSNP rs2501596126, ClinGen allele CA388725735.
Genomic context (GRCh38, chr13:110,210,212, plus strand): 5'-ATCCTCTTTCACCTTTCAACAGCATCCCGGGCACATGGCCAAGTATCTCACCTGGATCAC[C>T]CTAGAGGATGAAGAAAGAAAATAGAAAGTTGCAAATATCGACATTCATGTAAAGAAGCTG-3'
Protein context (NP_001836.3, residues 147-167): PGPPGLPGMK[Gly157Ser]DPGEILGHVP

ClinVar aggregate classification (germline): Uncertain significance (1 of 4 stars; one submission).

Submission:

Labcorp Genetics (formerly Invitae), Labcorp
Classification: Uncertain significance. Last evaluated: 2023-10-13. Review status: criteria provided, single submitter. Criteria: Invitae Variant Classification Sherloc (09022015). Collection method: clinical testing. Allele origin: germline.
Comment: This sequence change replaces glycine, which is neutral and non-polar, with serine, which is neutral and polar, at codon 157 of the COL4A1 protein (p.Gly157Ser). This variant is not present in population databases (gnomAD no frequency). This variant has not been reported in the literature in individuals affected with COL4A1-related conditions. Experimental studies and prediction algorithms are not available or were not evaluated, and the functional significance of this variant is currently unknown. This variant disrupts the triple helix domain of COL4A1. Glycine residues within the Gly-Xaa-Yaa repeats of the triple helix domain are required for the structure and stability of fibrillar collagens (PMID: 7695699, 8218237, 19344236). In COL4A1 variants affecting these glycine residues are significantly enriched in individuals with disease (PMID: 9016532, 17078022) compared to the general population (ExAC). In summary, the available evidence is currently insufficient to determine the role of this variant in disease. Therefore, it has been classified as a Variant of Uncertain Significance.

Literature cited by the submitters: PubMed 7695699; PubMed 8218237; PubMed 19344236; PubMed 9016532; PubMed 17078022.